The following is an entry in ClinVar:

ClinVar aggregate classification (germline): Uncertain significance (1 of 4 stars; one submission).

Conditions:
Atypical hemolytic-uremic syndrome. Identifiers: Orphanet 2134, MedGen C2931788, MONDO:0016244.

Submission:

Genomenon, Inc
Classification: Uncertain significance for Atypical hemolytic-uremic syndrome. Last evaluated: 2025-10-02. Review status: criteria provided, single submitter. Criteria: Genomenon Sequence Variant Interpretation Standards - Updated. Collection method: curation. Allele origin: germline. Affected: yes.
Comment: CFH c.965-6T>C is a splice variant located in the acceptor splice region of intron 7. This variant has been observed in at least one proband affected with atypical hemolytic-uremic syndrome (PMID:38317858). It is absent or not present at a significant frequency in gnomAD. In silico models agree that this variant is not damaging. In conclusion, we classify CFH c.965-6T>C as a variant of uncertain significance.

Literature cited by the submitters: PubMed 38317858.

NM_000186.4(CFH):c.965-6T>C

Gene: CFH (complement factor H; plus strand). Cytogenetic location: 1q31.3.
Variant type: single nucleotide variant.
Coding change: c.965-6T>C on transcript NM_000186.4 (MANE Select); 6 bases into the intron before coding-DNA position 965, T replaced by C.
Molecular consequence: intron variant.
Genome position (GRCh38, 1-based): chr1:196,689,414, T>C. VCF-style: chr1-196689414-T-C. GRCh37 (hg19) VCF-style: chr1-196658544-T-C.
Other names: c.965-6T>C (NM_001014975.3).
Identifiers: ClinVar variation 4291337 (VCV004291337.1).